The following is an entry in ClinVar:

NM_001366385.1(CARD14):c.1982A>C (p.Tyr661Ser)

Genes: CARD14 (caspase recruitment domain family member 14; plus strand), SGSH (N-sulfoglucosamine sulfohydrolase; minus strand). Cytogenetic location: 17q25.3.
Variant type: single nucleotide variant.
Coding change: c.1982A>C on transcript NM_001366385.1 (MANE Select); coding-DNA position 1982, A replaced by C.
Protein change: p.Tyr661Ser; replaces tyrosine 661 with serine.
Molecular consequence: missense variant. On other transcripts: non-coding transcript variant (1).
Genome position (GRCh38, 1-based): chr17:80,202,183, A>C. VCF-style: chr17-80202183-A-C. GRCh37 (hg19) VCF-style: chr17-78175982-A-C.
Other names: c.1982A>C, p.Tyr661Ser (NM_024110.4, NM_001257970.1); short protein forms Y661S.
Identifiers: ClinVar variation 644785 (VCV000644785.9), dbSNP rs763973976, ClinGen allele CA401353157.

ClinVar aggregate classification (germline): Uncertain significance (1 of 4 stars; one submission).

Conditions:
Pityriasis rubra pilaris (PRP). Also called: Pityriasis rubra pilaris--familial type. Identifiers: Orphanet 2897, MedGen C0032027, MONDO:0100017, OMIM 173200, MONDO:0008251.
Psoriasis 2. Identifiers: MedGen C1864497, MONDO:0011269, OMIM 602723.

Submission:

Labcorp Genetics (formerly Invitae), Labcorp
Classification: Uncertain significance for Pityriasis rubra pilaris; Psoriasis 2. Last evaluated: 2018-10-29. Review status: criteria provided, single submitter. Criteria: Invitae Variant Classification Sherloc (09022015). Collection method: clinical testing. Allele origin: germline.
Comment: In summary, the available evidence is currently insufficient to determine the role of this variant in disease. Therefore, it has been classified as a Variant of Uncertain Significance. Algorithms developed to predict the effect of missense changes on protein structure and function (SIFT, PolyPhen-2, Align-GVGD) all suggest that this variant is likely to be disruptive, but these predictions have not been confirmed by published functional studies and their clinical significance is uncertain. This variant has not been reported in the literature in individuals with CARD14-related disease. This variant is not present in population databases (ExAC no frequency). This sequence change replaces tyrosine with serine at codon 661 of the CARD14 protein (p.Tyr661Ser). The tyrosine residue is highly conserved and there is a large physicochemical difference between tyrosine and serine.